The following is an entry in ClinVar:

ClinVar aggregate classification (germline): Likely benign (0 of 4 stars; one submission).

Conditions:
PIDD1-related disorder. Also called: PIDD1-related condition.

Allele frequency attached by ClinVar (database versions not stated): ExAC 0.00003; ESP Exome Variant Server 0.00008; gnomAD 0.00010; TOPMed 0.00025.
gnomAD v4.1: 48 of 1,612,796 alleles (0.003%); highest among the groups gnomAD compares: Admixed American, 0.033%; no homozygotes.

Submission:

PreventionGenetics, part of Exact Sciences
Classification: Likely benign for PIDD1-related condition. Last evaluated: 2019-06-03. Review status: no assertion criteria provided. Collection method: clinical testing. Allele origin: germline.
Comment: This variant is classified as likely benign based on ACMG/AMP sequence variant interpretation guidelines (Richards et al. 2015 PMID: 25741868, with internal and published modifications).

NM_145886.4(PIDD1):c.102C>T (p.Gly34=)

Gene: PIDD1 (p53-induced death domain protein 1; minus strand). Cytogenetic location: 11p15.5.
Variant type: single nucleotide variant.
Coding change: c.102C>T on transcript NM_145886.4 (MANE Select); coding-DNA position 102, C replaced by T.
Protein change: p.Gly34=; no amino-acid change (glycine 34 retained).
Molecular consequence: synonymous variant.
Genome position (GRCh38, 1-based): chr11:804,287, G>A on the plus strand (C>T on the coding strand, the complement: PIDD1 is on the minus strand). VCF-style: chr11-804287-G-A. GRCh37 (hg19) VCF-style: chr11-804287-G-A.
Other names: c.102C>T, p.Gly34= (NM_145887.4).
Identifiers: ClinVar variation 3044842 (VCV003044842.2), dbSNP rs150733022, ClinGen allele CA5790578.